The following is an entry in ClinVar:

ClinVar aggregate classification (germline): Uncertain significance (1 of 4 stars; one submission).

Submission:

Mayo Clinic Laboratories, Mayo Clinic
Classification: Uncertain significance. Last evaluated: 2025-07-11. Review status: criteria provided, single submitter. Criteria: ACMG Guidelines, 2015. Collection method: clinical testing. Allele origin: germline. Observed: 1 variant allele.
Comment: BP4, PM2_supporting

NM_005670.4(EPM2A):c.990C>A (p.Ser330Arg)

Gene: EPM2A (EPM2A glucan phosphatase, laforin; minus strand). Cytogenetic location: 6q24.3.
Variant type: single nucleotide variant.
Coding change: c.990C>A on transcript NM_005670.4 (MANE Select); coding-DNA position 990, C replaced by A.
Protein change: p.Ser330Arg; replaces serine 330 with arginine.
Molecular consequence: missense variant. On other transcripts: 3 prime UTR variant (1), non-coding transcript variant (1), intron variant (1).
Genome position (GRCh38, 1-based): chr6:145,627,422, G>T on the plus strand (C>A on the coding strand, the complement: EPM2A is on the minus strand). VCF-style: chr6-145627422-G-T. GRCh37 (hg19) VCF-style: chr6-145948558-G-T.
Other names: p.Ser330Arg; c.*73C>A (NM_001360057.2); c.576C>A, p.Ser192Arg (NM_001360064.2, NM_001360071.2, NM_001368131.1); c.528C>A, p.Ser176Arg (NM_001368129.2, NM_001368132.1); c.924+66C>A (NM_001018041.2); short protein forms S176R, S192R, S330R.
Identifiers: ClinVar variation 4541232 (VCV004541232.1).